The following is an entry in ClinVar:

NM_018368.4(LMBRD1):c.405+8T>C

Gene: LMBRD1 (LMBR1 domain containing 1; minus strand). Cytogenetic location: 6q13.
Variant type: single nucleotide variant.
Coding change: c.405+8T>C on transcript NM_018368.4 (MANE Select); 8 bases into the intron after coding-DNA position 405, T replaced by C.
Molecular consequence: intron variant.
Genome position (GRCh38, 1-based): chr6:69,752,251, A>G on the plus strand (T>C on the coding strand, the complement: LMBRD1 is on the minus strand). VCF-style: chr6-69752251-A-G. GRCh37 (hg19) VCF-style: chr6-70462143-A-G.
Other names: c.186+8T>C (NM_001367272.1, NM_001367271.1, NM_001363722.2).
Identifiers: ClinVar variation 387073 (VCV000387073.12), dbSNP rs375415974, ClinGen allele CA3879917.

ClinVar aggregate classification (germline): Likely benign. Review status: criteria provided, multiple submitters, no conflicts (2 of 4 stars). 2 submissions from 2 submitters: Likely benign (2). Last evaluated 2026-01-13.

Conditions:
Methylmalonic aciduria and homocystinuria type cblF. Also called: VITAMIN B12 LYSOSOMAL RELEASE DEFECT; VITAMIN B12 STORAGE DISEASE; COBALAMIN F DISEASE; COBALAMIN, DEFECT IN LYSOSOMAL RELEASE OF; METHYLMALONIC ACIDEMIA AND HOMOCYSTINURIA, cblF TYPE; METHYLMALONIC ACIDURIA DUE TO VITAMIN B12-RELEASE DEFECT. Identifiers: Orphanet 79284, MedGen C1848578, MONDO:0010183, OMIM 277380.

Allele frequency attached by ClinVar (database versions not stated): ESP Exome Variant Server 0.00008; gnomAD 0.00009; TOPMed 0.00009; gnomAD exomes 0.00013 and 0.00017; ExAC 0.00018.
gnomAD v4.1: 257 of 1,606,076 alleles (0.016%); highest among the groups gnomAD compares: Non-Finnish European, 0.02%; no homozygotes.

Submissions (2):

Labcorp Genetics (formerly Invitae), Labcorp
Classification: Likely benign for Methylmalonic aciduria and homocystinuria type cblF. Last evaluated: 2026-01-13. Review status: criteria provided, single submitter. Criteria: Invitae Variant Classification Sherloc (09022015). Collection method: clinical testing. Allele origin: germline.

GeneDx
Classification: Likely benign. Last evaluated: 2016-06-29. Review status: criteria provided, single submitter. Criteria: GeneDx Variant Classification (06012015). Collection method: clinical testing. Allele origin: germline. Affected: yes.
Comment: This variant is considered likely benign or benign based on one or more of the following criteria: it is a conservative change, it occurs at a poorly conserved position in the protein, it is predicted to be benign by multiple in silico algorithms, and/or has population frequency not consistent with disease.